The following is an entry in ClinVar:

ClinVar aggregate classification (germline): Uncertain significance (0 of 4 stars; one submission).

Conditions:
GNAS-related disorder. Identifiers: MedGen CN380105.

gnomAD v4.1: 17 of 1,613,158 alleles (0.0011%); highest among the groups gnomAD compares: South Asian, 0.016%; no homozygotes.

Submission:

PreventionGenetics, part of Exact Sciences
Classification: Uncertain significance for GNAS-related condition. Last evaluated: 2024-08-26. Review status: no assertion criteria provided. Collection method: clinical testing. Allele origin: germline.
Comment: The GNAS c.803C>T variant is predicted to result in the amino acid substitution p.Ser268Leu. In an alternative transcript (NM_000516), this variant is precoding c.-37472C>T. To our knowledge, this variant has not been reported in the literature. This variant is reported in 0.013% of alleles in individuals of South Asian descent in gnomAD. At this time, the clinical significance of this variant is uncertain due to the absence of conclusive functional and genetic evidence.

NM_080425.4(GNAS):c.990C>T (p.Ile330=)

Gene: GNAS (GNAS complex locus; plus strand). Cytogenetic location: 20q13.32.
Variant type: single nucleotide variant.
Coding change: c.990C>T on transcript NM_080425.4 (MANE Plus Clinical); coding-DNA position 990, C replaced by T.
Protein change: p.Ile330=; no amino-acid change (isoleucine 330 retained).
Molecular consequence: synonymous variant. On other transcripts: intron variant (3), missense variant (2).
Genome position (GRCh38, 1-based): chr20:58,854,255, C>T. VCF-style: chr20-58854255-C-T. GRCh37 (hg19) VCF-style: chr20-57429310-C-T.
Other names: c.990C>T, p.Ile330= (NM_001410913.1); c.*42+13369C>T (NM_016592.5); c.43+13369C>T (NM_001410912.1); c.-39+12380C>T (NM_001309861.2); c.803C>T, p.Ser268Leu (NM_001077490.3, NM_001309883.1); short protein forms S268L.
Identifiers: ClinVar variation 3350682 (VCV003350682.1).
Genomic context (GRCh38, chr20:58,854,255, plus strand): 5'-GATTGGCAGCGCCCCCGCTGGGGTCGACGACACTCCCGTCAACATGGACAGCCCCCCAAT[C>T]GCGCTTGACGGCCCGCCCATCAAGGTCTCCGGAGCCCCAGATAAGAGAGAGCGAGCAGAG-3'
Protein context (NP_536350.2, residues 320-340): DTPVNMDSPP[Ile330=]ALDGPPIKVS